The following is an entry in ClinVar:

NM_000208.4(INSR):c.3203G>A (p.Arg1068Gln)

Gene: INSR (insulin receptor; minus strand). Cytogenetic location: 19p13.2.
Variant type: single nucleotide variant.
Coding change: c.3203G>A on transcript NM_000208.4 (MANE Select); coding-DNA position 3203, G replaced by A.
Protein change: p.Arg1068Gln; replaces arginine 1068 with glutamine.
Molecular consequence: missense variant.
Genome position (GRCh38, 1-based): chr19:7,125,338, C>T on the plus strand (G>A on the coding strand, the complement: INSR is on the minus strand). VCF-style: chr19-7125338-C-T. GRCh37 (hg19) VCF-style: chr19-7125349-C-T.
Other names: c.3167G>A, p.Arg1056Gln (NM_001079817.3); c.3203G>A (NM_000208.2); short protein forms R1068Q, R1056Q.
Identifiers: ClinVar variation 2858657 (VCV002858657.4), dbSNP rs367827848, ClinGen allele CA9135335.

ClinVar aggregate classification (germline): Uncertain significance. Review status: criteria provided, multiple submitters, no conflicts (2 of 4 stars). 2 submissions from 2 submitters: Uncertain significance (2). Last evaluated 2024-07-24.

Conditions:
Inborn genetic diseases. Identifiers: MedGen C0950123, MeSH D030342.

Allele frequency attached by ClinVar (database versions not stated): ExAC 0.00004; gnomAD exomes 0.00004; gnomAD 0.00005; ESP Exome Variant Server 0.00008; TOPMed 0.00008.
gnomAD v4.1: 73 of 1,613,968 alleles (0.0045%); highest among the groups gnomAD compares: African/African-American, 0.013%; no homozygotes.

Submissions (2):

Labcorp Genetics (formerly Invitae), Labcorp
Classification: Uncertain significance. Last evaluated: 2024-07-24. Review status: criteria provided, single submitter. Criteria: Invitae Variant Classification Sherloc (09022015). Collection method: clinical testing. Allele origin: germline.
Comment: This sequence change replaces arginine, which is basic and polar, with glutamine, which is neutral and polar, at codon 1068 of the INSR protein (p.Arg1068Gln). This variant is present in population databases (rs367827848, gnomAD 0.01%). This variant has not been reported in the literature in individuals affected with INSR-related conditions. Advanced modeling of protein sequence and biophysical properties (such as structural, functional, and spatial information, amino acid conservation, physicochemical variation, residue mobility, and thermodynamic stability) has been performed at Invitae for this missense variant, however the output from this modeling did not meet the statistical confidence thresholds required to predict the impact of this variant on INSR protein function. In summary, the available evidence is currently insufficient to determine the role of this variant in disease. Therefore, it has been classified as a Variant of Uncertain Significance.

Ambry Genetics
Classification: Uncertain significance for Inborn genetic diseases. Last evaluated: 2024-02-26. Review status: criteria provided, single submitter. Criteria: Ambry Variant Classification Scheme 2023. Collection method: clinical testing. Allele origin: germline.